The following is an entry in ClinVar:

NM_000059.4(BRCA2):c.475+2T>A

Gene: BRCA2 (BRCA2 DNA repair associated; plus strand). Cytogenetic location: 13q13.1.
Variant type: single nucleotide variant.
Coding change: c.475+2T>A on transcript NM_000059.4 (MANE Select); the canonical splice donor site of the intron after coding-DNA position 475, T replaced by A.
Molecular consequence: splice donor variant.
Genome position (GRCh38, 1-based): chr13:32,326,152, T>A. VCF-style: chr13-32326152-T-A. GRCh37 (hg19) VCF-style: chr13-32900289-T-A.
Other names: c.475+2T>A (NM_001406720.1, NM_001406719.1, NM_001406721.1); c.106+2T>A (NM_001406722.1).
Identifiers: ClinVar variation 531272 (VCV000531272.7), dbSNP rs1555280966, ClinGen allele CA387757263.

ClinVar aggregate classification (germline): Pathogenic (1 of 4 stars; one submission).

Conditions:
Hereditary breast ovarian cancer syndrome. Also called: Hereditary breast and ovarian cancer syndrome (HBOC); BRCA1- and BRCA2-Associated Hereditary Breast and Ovarian Cancer; Hereditary breast and ovarian cancer syndrome; Breast and ovarian cancer; Hereditary breast and ovarian cancer; Hereditary breast and/or ovarian cancer syndrome. Identifiers: Orphanet 145, MedGen C0677776, MeSH D061325, MONDO:0003582. Disease mechanism: loss of function.

Submission:

Labcorp Genetics (formerly Invitae), Labcorp
Classification: Pathogenic for Hereditary breast ovarian cancer syndrome. Last evaluated: 2020-09-11. Review status: criteria provided, single submitter. Criteria: Invitae Variant Classification Sherloc (09022015). Collection method: clinical testing. Allele origin: germline.
Comment: For these reasons, this variant has been classified as Pathogenic. Donor and acceptor splice site variants typically lead to a loss of protein function (PMID: 16199547), and loss-of-function variants in BRCA2 are known to be pathogenic (PMID: 20104584). Experimental studies have shown that variants at this splice site disrupt mRNA splicing (PMID: 30883759, 23451180). Disruption of this splice site has been observed in individual(s) with breast cancer, ovarian cancer, and Fanconi anemia (PMID: 18703817, 24156927, 28724667, 29446198, 29446198, 29176636, 30792206, 28102861). ClinVar contains an entry for this variant (Variation ID: 531272). This variant is not present in population databases (ExAC no frequency). This sequence change affects a donor splice site in intron 5 of the BRCA2 gene. It is expected to disrupt RNA splicing and likely results in an absent or disrupted protein product.

Literature cited by the submitters: PubMed 16199547; PubMed 20104584; PubMed 30883759; PubMed 23451180; PubMed 18703817; PubMed 24156927; PubMed 28724667; PubMed 29446198; PubMed 29176636; PubMed 30792206; PubMed 28102861.